The following is an entry in ClinVar:

NM_001110556.2(FLNA):c.1691+5G>C

Gene: FLNA (filamin A; minus strand). Cytogenetic location: Xq28.
Variant type: single nucleotide variant.
Coding change: c.1691+5G>C on transcript NM_001110556.2 (MANE Select); 5 bases into the intron after coding-DNA position 1691, G replaced by C.
Molecular consequence: intron variant.
Genome position (GRCh38, 1-based): chrX:154,365,131, C>G on the plus strand (G>C on the coding strand, the complement: FLNA is on the minus strand). VCF-style: chrX-154365131-C-G. GRCh37 (hg19) VCF-style: chrX-153593499-C-G.
Other names: c.1691+5G>C (NM_001456.4).
Identifiers: ClinVar variation 3753015 (VCV003753015.2).

ClinVar aggregate classification (germline): Uncertain significance (1 of 4 stars; one submission).

Conditions:
Melnick-Needles syndrome (MNS). Also called: MELNICK-NEEDLES OSTEODYSPLASTY; OSTEODYSPLASTY OF MELNICK AND NEEDLES; Melnick-Needles Syndrome (FLNA-MNS). Identifiers: Orphanet 2484, MedGen C0025237, MONDO:0010650, OMIM 309350.
Frontometaphyseal dysplasia (FMD1). Identifiers: Orphanet 1826, MedGen C0265293, MONDO:0015942.
Heterotopia, periventricular, X-linked dominant (PVNH1). Also called: PERIVENTRICULAR NODULAR HETEROTOPIA 1; X-linked periventricular heterotopia; PERIVENTRICULAR NODULAR HETEROTOPIA 4; HETEROTOPIA, PERIVENTRICULAR, 1. Identifiers: Orphanet 2149, Orphanet 82004, MedGen C1848213, MONDO:0010233, OMIM 300049.
Oto-palato-digital syndrome, type II (OPD2). Also called: FACIOPALATOOSSEOUS SYNDROME; OPD II SYNDROME; Otopalatodigital Syndrome, Type II; Otopalatodigital Syndrome Type 2 (FLNA-OPD2). Identifiers: Orphanet 669, Orphanet 90652, MedGen C1844696, MONDO:0010571, OMIM 304120.

Submission:

Labcorp Genetics (formerly Invitae), Labcorp
Classification: Uncertain significance for Oto-palato-digital syndrome, type II; Heterotopia, periventricular, X-linked dominant; Frontometaphyseal dysplasia; Melnick-Needles syndrome. Last evaluated: 2024-09-06. Review status: criteria provided, single submitter. Criteria: Invitae Variant Classification Sherloc (09022015). Collection method: clinical testing. Allele origin: germline.
Comment: This sequence change falls in intron 11 of the FLNA gene. It does not directly change the encoded amino acid sequence of the FLNA protein. It affects a nucleotide within the consensus splice site. This variant is not present in population databases (gnomAD no frequency). This variant has not been reported in the literature in individuals affected with FLNA-related conditions. Variants that disrupt the consensus splice site are a relatively common cause of aberrant splicing (PMID: 17576681, 9536098). Algorithms developed to predict the effect of sequence changes on RNA splicing suggest that this variant is not likely to affect RNA splicing. In summary, the available evidence is currently insufficient to determine the role of this variant in disease. Therefore, it has been classified as a Variant of Uncertain Significance.

Literature cited by the submitters: PubMed 17576681; PubMed 9536098.